The following is an entry in ClinVar:

NM_005762.3(TRIM28):c.1308C>T (p.Gly436=)

Gene: TRIM28 (tripartite motif containing 28; plus strand). Cytogenetic location: 19q13.43.
Variant type: single nucleotide variant.
Coding change: c.1308C>T on transcript NM_005762.3 (MANE Select); coding-DNA position 1308, C replaced by T.
Protein change: p.Gly436=; no amino-acid change (glycine 436 retained).
Molecular consequence: synonymous variant.
Genome position (GRCh38, 1-based): chr19:58,548,577, C>T. VCF-style: chr19-58548577-C-T. GRCh37 (hg19) VCF-style: chr19-59059944-C-T.
Identifiers: ClinVar variation 3714533 (VCV003714533.2).

ClinVar aggregate classification (germline): Uncertain significance (1 of 4 stars; one submission).

Submission:

Labcorp Genetics (formerly Invitae), Labcorp
Classification: Uncertain significance. Last evaluated: 2024-11-24. Review status: criteria provided, single submitter. Criteria: Invitae Variant Classification Sherloc (09022015). Collection method: clinical testing. Allele origin: germline.
Comment: This sequence change affects codon 436 of the TRIM28 mRNA. It is a 'silent' change, meaning that it does not change the encoded amino acid sequence of the TRIM28 protein. This variant is present in population databases (rs551223640, gnomAD 0.007%). This variant has not been reported in the literature in individuals affected with TRIM28-related conditions. Experimental studies and prediction algorithms are not available or were not evaluated, and the effect of this variant on mRNA splicing is currently unknown. In summary, the available evidence is currently insufficient to determine the role of this variant in disease. Therefore, it has been classified as a Variant of Uncertain Significance.